The following is an entry in ClinVar:

ClinVar aggregate classification (germline): Uncertain significance. Review status: criteria provided, multiple submitters, no conflicts (2 of 4 stars). 2 submissions from 2 submitters: Uncertain significance (2). Last evaluated 2024-03-11.

Conditions:
BLOOD GROUP--SWANN SYSTEM (SW). Also called: SWANN BLOOD GROUP. Identifiers: MedGen C1832169, OMIM 601550.
BLOOD GROUP, WALDNER (WD). Also called: WALDNER BLOOD GROUP ANTIGEN. Identifiers: MedGen C1862191, OMIM 112010.
BLOOD GROUP--FROESE (FR). Also called: FROESE BLOOD GROUP ANTIGEN. Identifiers: MedGen C1832168, OMIM 601551.
BLOOD GROUP--WRIGHT ANTIGEN (WR). Identifiers: MedGen C1862190, OMIM 112050.
Hereditary spherocytosis type 4. Also called: SLC4A1-Related Spherocytosis. Identifiers: Orphanet 822, MedGen C2675212, MONDO:0012981, OMIM 612653.
BLOOD GROUP--DIEGO SYSTEM (DI). Identifiers: MedGen C1292286, OMIM 110500.
Cryohydrocytosis. Also called: STOMATOCYTOSIS, COLD-SENSITIVE; CRYOHYDROCYTOSIS DUE TO BAND 3 HEMEL; CRYOHYDROCYTOSIS DUE TO BAND 3 HURSTPIERPOINT; CRYOHYDROCYTOSIS DUE TO BAND 3 BLACKBURN; Hereditary cryohydrocytosis with normal stomatin. Identifiers: Orphanet 398088, MedGen C1861453, MONDO:0008494, OMIM 185020.
Autosomal dominant distal renal tubular acidosis (DRTA1). Also called: RENAL TUBULAR ACIDOSIS, DISTAL, 1; RTA, CLASSIC TYPE; RTA, DISTAL TYPE, AUTOSOMAL DOMINANT; RTA, GRADIENT TYPE; Renal Tubular Acidosis, Type I. Identifiers: Orphanet 93608, MedGen CN280572, MONDO:0008368, OMIM 179800.
Renal tubular acidosis, distal, 4, with hemolytic anemia. Also called: Renal Tubular Acidosis, Distal, with Hemolytic Anemia. Identifiers: Orphanet 93610, MedGen C5436235, MONDO:0012700, OMIM 611590.
Southeast Asian ovalocytosis. Also called: HE, STOMATOCYTIC; Elliptocytosis 4; Stomatocytic elliptocytosis, hereditary; Ovalocytosis, Malaysian-Melanesian-Filipino type. Identifiers: Orphanet 98868, MedGen C1862322, MONDO:0008165, OMIM 166900.
Malaria, susceptibility to. Identifiers: Orphanet 673, MedGen C1970028, MONDO:0021024, OMIM 611162.

Submissions (2):

Fulgent Genetics
Classification: Uncertain significance for BLOOD GROUP--DIEGO SYSTEM; BLOOD GROUP, WALDNER; BLOOD GROUP--WRIGHT ANTIGEN; Southeast Asian ovalocytosis; Autosomal dominant distal renal tubular acidosis; Cryohydrocytosis; BLOOD GROUP--SWANN SYSTEM; BLOOD GROUP--FROESE; Malaria, susceptibility to; Renal tubular acidosis, distal, 4, with hemolytic anemia; Hereditary spherocytosis type 4. Last evaluated: 2024-03-11. Review status: criteria provided, single submitter. Criteria: ACMG Guidelines, 2015. Collection method: clinical testing. Allele origin: germline.

GeneDx
Classification: Uncertain significance. Last evaluated: 2022-02-08. Review status: criteria provided, single submitter. Criteria: GeneDx Variant Classification Process June 2021. Collection method: clinical testing. Allele origin: germline. Affected: yes.
Comment: Not observed in large population cohorts (gnomAD); In silico analysis supports that this missense variant has a deleterious effect on protein structure/function; Has not been previously published as pathogenic or benign to our knowledge

NM_000342.4(SLC4A1):c.1819G>A (p.Asp607Asn)

Gene: SLC4A1 (solute carrier family 4 member 1 (Diego blood group); minus strand). Cytogenetic location: 17q21.31.
Variant type: single nucleotide variant.
Coding change: c.1819G>A on transcript NM_000342.4 (MANE Select); coding-DNA position 1819, G replaced by A.
Protein change: p.Asp607Asn; replaces aspartic acid 607 with asparagine.
Molecular consequence: missense variant.
Genome position (GRCh38, 1-based): chr17:44,255,278, C>T on the plus strand (G>A on the coding strand, the complement: SLC4A1 is on the minus strand). VCF-style: chr17-44255278-C-T. GRCh37 (hg19) VCF-style: chr17-42332646-C-T.
Other names: short protein forms D607N.
Identifiers: ClinVar variation 1341613 (VCV001341613.3), dbSNP rs2144606989, ClinGen allele CA399783964.
Genomic context (GRCh38, chr17:44,255,278, plus strand): 5'-TATCCTGAATGAAGAAATCCACCAGGACCATGATCAGGATGGAGATGGGGACCCCGAAGT[C>T]CCCGATGACCCGACGCAGCTGGGGGCAGGTGAAAGGACCAGTGGTCAGTGCCCAGTCACT-3'
Protein context (NP_000333.1, residues 597-617): FPGKLRRVIG[Asp607Asn]FGVPISILIM